The following is an entry in ClinVar:

ClinVar aggregate classification (germline): Likely benign. Review status: criteria provided, multiple submitters, no conflicts (2 of 4 stars). 2 submissions from 2 submitters: Likely benign (2). Last evaluated 2024-11-05.

Conditions:
Multiple endocrine neoplasia, type 1 (MEN1). Also called: MEA I; MEN I; WERMER SYNDROME; Endocrine adenomatosis multiple; MEN 1. Identifiers: Orphanet 652, MedGen C0025267, MeSH D018761, MONDO:0007540, OMIM 131100.

Submissions (2):

Myriad Genetics, Inc.
Classification: Likely benign for Multiple endocrine neoplasia, type 1. Last evaluated: 2024-11-05. Review status: criteria provided, single submitter. Criteria: Myriad Autosomal Dominant, Autosomal Recessive and X-Linked Classification Criteria (2023). Collection method: clinical testing. Allele origin: unknown.
Comment: This variant is considered likely benign. This variant is intronic and is not expected to impact mRNA splicing.

Labcorp Genetics (formerly Invitae), Labcorp
Classification: Likely benign for Multiple endocrine neoplasia, type 1. Last evaluated: 2024-02-09. Review status: criteria provided, single submitter. Criteria: Invitae Variant Classification Sherloc (09022015). Collection method: clinical testing. Allele origin: germline.

NM_001370259.2(MEN1):c.1185+8G>T

Gene: MEN1 (menin 1; minus strand). Cytogenetic location: 11q13.1.
Variant type: single nucleotide variant.
Coding change: c.1185+8G>T on transcript NM_001370259.2 (MANE Select); 8 bases into the intron after coding-DNA position 1185, G replaced by T.
Molecular consequence: intron variant.
Genome position (GRCh38, 1-based): chr11:64,805,627, C>A on the plus strand (G>T on the coding strand, the complement: MEN1 is on the minus strand). VCF-style: chr11-64805627-C-A. GRCh37 (hg19) VCF-style: chr11-64573099-C-A.
Other names: c.1200+8G>T (NM_130804.3, NM_130803.3, NM_000244.4 and 4 more transcripts); c.1080+8G>T (NM_001407148.1, NM_001407149.1, NM_001370263.2 and 1 more transcripts); c.1185+8G>T (NM_130799.3, NM_001370260.2, NM_001407152.1 and 3 more transcripts); c.1311+8G>T (NM_001407144.1, NM_001370251.2, NM_001407142.1 and 1 more transcripts); c.1206+8G>T (NM_001407151.1); c.1326+8G>T (NM_001407150.1).
Identifiers: ClinVar variation 2799385 (VCV002799385.4), dbSNP rs2497155612, ClinGen allele CA2739270483.